The following is an entry in ClinVar:

NM_148919.4(PSMB8):c.31C>T (p.Arg11Ter)

Gene: PSMB8 (proteasome 20S subunit beta 8; minus strand). Cytogenetic location: 6p21.32.
Variant type: single nucleotide variant.
Coding change: c.31C>T on transcript NM_148919.4 (MANE Select); coding-DNA position 31, C replaced by T.
Protein change: p.Arg11Ter; replaces arginine 11 with a stop codon.
Molecular consequence: nonsense. On other transcripts: intron variant (1).
Genome position (GRCh38, 1-based): chr6:32,843,966, G>A on the plus strand (C>T on the coding strand, the complement: PSMB8 is on the minus strand). VCF-style: chr6-32843966-G-A. GRCh37 (hg19) VCF-style: chr6-32811743-G-A.
Other names: c.135+313C>T (NM_004159.5); short protein forms R11*.
Identifiers: ClinVar variation 3712361 (VCV003712361.2).
Genomic context (GRCh38, chr6:32,843,966, plus strand): 5'-CTGGGTCCGAGCGACGCCCGCTTCCCGCAACCGGGAGAGCCGATTCCGGCCGCTGCCCTC[G>A]GGGGGCTCCGCATACATCTAGTAGCGCCATGACCGCCCAGCACCCAGAGATCTGTCCGCT-3'

ClinVar aggregate classification (germline): Pathogenic (1 of 4 stars; one submission).

Conditions:
Proteosome-associated autoinflammatory syndrome. Also called: Proteasome-associated autoinflammatory syndrome. Identifiers: Orphanet 324977, MedGen C1850568, MONDO:0009726.

gnomAD v4.1: 22 of 1,612,272 alleles (0.0014%); highest among the groups gnomAD compares: Admixed American, 0.0033%; no homozygotes.

Submission:

Labcorp Genetics (formerly Invitae), Labcorp
Classification: Pathogenic for Proteosome-associated autoinflammatory syndrome. Last evaluated: 2024-05-19. Review status: criteria provided, single submitter. Criteria: Invitae Variant Classification Sherloc (09022015). Collection method: clinical testing. Allele origin: germline.
Comment: This sequence change creates a premature translational stop signal (p.Arg11*) in the PSMB8 gene. It is expected to result in an absent or disrupted protein product. Loss-of-function variants in PSMB8 are known to be pathogenic (PMID: 26524591). This variant is present in population databases (rs757170542, gnomAD 0.004%). This variant has not been reported in the literature in individuals affected with PSMB8-related conditions. For these reasons, this variant has been classified as Pathogenic.

Literature cited by the submitters: PubMed 26524591.